The following is an entry in ClinVar:

ClinVar aggregate classification (germline): Pathogenic/Likely pathogenic. Review status: criteria provided, multiple submitters, no conflicts (2 of 4 stars). 3 submissions from 3 submitters: Pathogenic (1); Likely pathogenic (2). Last evaluated 2025-10-16.

Conditions:
Hereditary cancer-predisposing syndrome. Also called: Tumor predisposition; Neoplastic Syndromes, Hereditary; Hereditary neoplastic syndrome; Hereditary Cancer Syndrome. Identifiers: Orphanet 140162, MedGen C0027672, MeSH D009386, MONDO:0015356.
Aplastic anemia. Identifiers: Orphanet 182040, Orphanet 88, MedGen C0002874, MONDO:0015909, OMIM 609135, HP:0001915.
Microcephaly, normal intelligence and immunodeficiency (NBS). Also called: Microcephaly with normal intelligence immunodeficiency and lymphoreticular malignancies; Nonsyndromal microcephaly autosomal recessive with normal intelligence; Seemanova syndrome 2; SEEMANOVA SYNDROME II; BERLIN BREAKAGE SYNDROME; Immunodeficiency, microcephaly with normal intelligence. Identifiers: Orphanet 647, MedGen C0398791, MONDO:0009623, OMIM 251260.

Submissions (3):

Natera, Inc.
Classification: Likely pathogenic for Nijmegen breakage syndrome. Last evaluated: 2025-10-16. Review status: criteria provided, single submitter. Criteria: Natera Variant Classification Schema (03/2026). Collection method: clinical testing. Allele origin: germline.
Comment: The c.2051del variant in NBN is a frameshift variant predicted to shift the reading frame beginning at codon 684 and leads to a stop codon 25 codons downstream. This variant is expected to result in nonsense mediated decay, truncation, or a dysfunctional protein product. This variant is rare in the general population with a frequency below the threshold expected for the associated phenotype(s). Given the available evidence, this variant is classified as Likely Pathogenic.

Baylor Genetics
Classification: Likely pathogenic for Aplastic anemia. Last evaluated: 2022-09-27. Review status: criteria provided, single submitter. Criteria: ACMG Guidelines, 2015. Collection method: clinical testing. Allele origin: unknown.

Ambry Genetics
Classification: Pathogenic for Hereditary cancer-predisposing syndrome. Last evaluated: 2022-05-12. Review status: criteria provided, single submitter. Criteria: Ambry Variant Classification Scheme 2023. Collection method: clinical testing. Allele origin: germline.
Comment: The c.2051delA pathogenic mutation, located in coding exon 13 of the NBN gene, results from a deletion of one nucleotide at nucleotide position 2051, causing a translational frameshift with a predicted alternate stop codon (p.N684Ifs*25). This variant is considered to be rare based on population cohorts in the Genome Aggregation Database (gnomAD). This alteration is expected to result in loss of function by premature protein truncation or nonsense-mediated mRNA decay. As such, this alteration is interpreted as a disease-causing mutation.

NM_002485.5(NBN):c.2051del (p.Asn684fs)

Gene: NBN (nibrin; minus strand). Cytogenetic location: 8q21.3.
Variant type: Deletion.
Coding change: c.2051del on transcript NM_002485.5 (MANE Select); coding-DNA position 2051, one base deleted (A; older notation c.2051delA).
Protein change: p.Asn684fs; shifts the reading frame from asparagine 684.
Molecular consequence: frameshift variant.
Genome position (GRCh38, 1-based): chr8:89,946,159, T deleted on the plus strand (A on the coding strand, the reverse complement: NBN is on the minus strand); the first of 6 consecutive T bases (chr8:89,946,159-89,946,164); deleting any one gives the same sequence. VCF-style (leftmost placement, unchanged base first): chr8-89946158-AT-A. GRCh37 (hg19) VCF-style: chr8-90958386-AT-A.
Other names: c.2051del (NM_002485.4); c.1805del, p.Asn602fs (NM_001024688.3); short protein forms N602fs, N684fs.
Identifiers: ClinVar variation 1072146 (VCV001072146.7), dbSNP rs1586040200, ClinGen allele CA2499219409.